The following is an entry in ClinVar:

NM_000632.4(ITGAM):c.704+5G>T

Gene: ITGAM (integrin subunit alpha M; plus strand). Cytogenetic location: 16p11.2.
Variant type: single nucleotide variant.
Coding change: c.704+5G>T on transcript NM_000632.4 (MANE Select); 5 bases into the intron after coding-DNA position 704, G replaced by T.
Molecular consequence: intron variant.
Genome position (GRCh38, 1-based): chr16:31,271,997, G>T. VCF-style: chr16-31271997-G-T. GRCh37 (hg19) VCF-style: chr16-31283318-G-T.
Other names: c.704+5G>T (NM_001145808.2).
Identifiers: ClinVar variation 4806497 (VCV004806497.1).

ClinVar aggregate classification (germline): Uncertain significance (1 of 4 stars; one submission).

gnomAD v4.1: 2 of 1,614,004 alleles (0.00012%); highest among the groups gnomAD compares: Non-Finnish European, 0.00017%; no homozygotes.

Submission:

Labcorp Genetics (formerly Invitae), Labcorp
Classification: Uncertain significance. Last evaluated: 2026-01-12. Review status: criteria provided, single submitter. Criteria: Invitae Variant Classification Sherloc (09022015). Collection method: clinical testing. Allele origin: germline.
Comment: This sequence change falls in intron 7 of the ITGAM gene. It does not directly change the encoded amino acid sequence of the ITGAM protein. It affects a nucleotide within the consensus splice site. This variant is not present in population databases (gnomAD no frequency). This variant has not been reported in the literature in individuals affected with ITGAM-related conditions. Variants that disrupt the consensus splice site are a relatively common cause of aberrant splicing (PMID: 17576681, 9536098). Algorithms developed to predict the effect of sequence changes on RNA splicing suggest that this variant may disrupt the consensus splice site. In summary, the available evidence is currently insufficient to determine the role of this variant in disease. Therefore, it has been classified as a Variant of Uncertain Significance.

Literature cited by the submitters: PubMed 17576681; PubMed 9536098.